The following is an entry in ClinVar:

ClinVar aggregate classification (germline): Uncertain significance (1 of 4 stars; one submission).

Conditions:
Familial adenomatous polyposis 1 (FAP1). Also called: FAMILIAL ADENOMATOUS POLYPOSIS 1, ATTENUATED; POLYPOSIS, ADENOMATOUS INTESTINAL. Identifiers: MedGen C2713442, MONDO:0021056, OMIM 175100. Disease mechanism: loss of function.

Submission:

Labcorp Genetics (formerly Invitae), Labcorp
Classification: Uncertain significance for Familial adenomatous polyposis 1. Last evaluated: 2022-05-27. Review status: criteria provided, single submitter. Criteria: Invitae Variant Classification Sherloc (09022015). Collection method: clinical testing. Allele origin: germline.
Comment: This sequence change replaces cysteine, which is neutral and slightly polar, with tryptophan, which is neutral and slightly polar, at codon 607 of the APC protein (p.Cys607Trp). This variant is not present in population databases (gnomAD no frequency). In summary, the available evidence is currently insufficient to determine the role of this variant in disease. Therefore, it has been classified as a Variant of Uncertain Significance. Algorithms developed to predict the effect of missense changes on protein structure and function (SIFT, PolyPhen-2, Align-GVGD) all suggest that this variant is likely to be disruptive. ClinVar contains an entry for this variant (Variation ID: 856642). This variant has not been reported in the literature in individuals affected with APC-related conditions.

NM_000038.6(APC):c.1821T>G (p.Cys607Trp)

Gene: APC (APC regulator of Wnt signaling pathway; plus strand). Cytogenetic location: 5q22.2.
Variant type: single nucleotide variant.
Coding change: c.1821T>G on transcript NM_000038.6 (MANE Select); coding-DNA position 1821, T replaced by G.
Protein change: p.Cys607Trp; replaces cysteine 607 with tryptophan.
Molecular consequence: missense variant.
Genome position (GRCh38, 1-based): chr5:112,835,028, T>G. VCF-style: chr5-112835028-T-G. GRCh37 (hg19) VCF-style: chr5-112170725-T-G.
Other names: c.1821T>G, p.Cys607Trp (NM_001127510.3, NM_001354895.2); c.1767T>G, p.Cys589Trp (NM_001127511.3); c.1875T>G, p.Cys625Trp (NM_001354896.2); c.1851T>G, p.Cys617Trp (NM_001354897.2); c.1746T>G, p.Cys582Trp (NM_001354898.2); c.1737T>G, p.Cys579Trp (NM_001354899.2); c.1698T>G, p.Cys566Trp (NM_001354900.2); c.1644T>G, p.Cys548Trp (NM_001354901.2); and 5 more; short protein forms C548W, C324W, C447W, C481W, C579W, C589W, C607W, C617W.
Identifiers: ClinVar variation 856642 (VCV000856642.11), dbSNP rs1764709046, ClinGen allele CA16025308.
Genomic context (GRCh38, chr5:112,835,028, plus strand): 5'-CGTATTGAGTGCCTTATGGAATTTGTCAGCACATTGCACTGAGAATAAAGCTGATATATG[T>G]GCTGTAGATGGTGCACTTGCATTTTTGGTTGGCACTCTTACTTACCGGAGCCAGACAAAC-3'
Protein context (NP_000029.2, residues 597-617): AHCTENKADI[Cys607Trp]AVDGALAFLV